The following is an entry in ClinVar:

ClinVar aggregate classification (germline): Conflicting classifications of pathogenicity. Review status: criteria provided, conflicting classifications (1 of 4 stars). 3 submissions from 3 submitters: Uncertain significance (1); Likely benign (2). Last evaluated 2026-01-28.

Conditions:
PLOD2-related disorder. Also called: PLOD2-related condition.

Allele frequency attached by ClinVar (database versions not stated): gnomAD exomes 0.00010; 1000 Genomes Project 0.00060; 1000 Genomes Project 30x 0.00094; gnomAD 0.00097 and 0.00106; TOPMed 0.00122; ESP Exome Variant Server 0.00135.
gnomAD v4.1: 279 of 1,454,942 alleles (0.019%); highest among the groups gnomAD compares: African/African-American, 0.38%; no homozygotes.

Submissions (8):

Labcorp Genetics (formerly Invitae), Labcorp
Classification: Likely benign. Last evaluated: 2026-01-28. Review status: criteria provided, single submitter. Criteria: Invitae Variant Classification Sherloc (09022015). Collection method: clinical testing. Allele origin: germline.

PreventionGenetics, part of Exact Sciences
Classification: Likely benign for PLOD2-related condition. Last evaluated: 2025-08-01. Review status: criteria provided, single submitter. Criteria: ACMG Guidelines, 2015. Collection method: clinical testing. Allele origin: germline.
Comment: This variant is classified as likely benign based on ACMG/AMP sequence variant interpretation guidelines (Richards et al. 2015 PMID: 25741868, with internal and published modifications).

Women's Health and Genetics/Laboratory Corporation of America, LabCorp
Classification: Uncertain significance. Last evaluated: 2024-02-08. Review status: criteria provided, single submitter. Criteria: LabCorp Variant Classification Summary - May 2015. Collection method: clinical testing. Allele origin: germline.
Comment: Variant summary: PLOD2 c.1126A>C (p.Met376Leu) results in a conservative amino acid change in the encoded protein sequence. Four of five in-silico tools predict a benign effect of the variant on protein function. Several computational tools predict a significant impact on normal splicing: Two predict the variant abolishes a canonical 5' splicing donor site. One predict the variant weakens a canonical 5' donor site. However, these predictions have yet to be confirmed by functional studies. The variant allele was found at a frequency of 0.0002 in 154404 control chromosomes (gnomAD). This frequency is not significantly higher than estimated for a pathogenic variant in PLOD2 causing Osteogenesis Imperfecta (0.0002 vs 0.0011), allowing no conclusion about variant significance. To our knowledge, no occurrence of c.1126A>C in individuals affected with Osteogenesis Imperfecta and no experimental evidence demonstrating its impact on protein function have been reported. ClinVar contains an entry for this variant (Variation ID: 737604). Based on the evidence outlined above, the variant was classified as uncertain significance.

Dr. Peter K. Rogan Lab, Western University
No classification provided (evidence only). Condition: Clear cell carcinoma of kidney. Review status: no classification provided. Collection method: in vitro. Allele origin: not applicable. Functional consequence: retained intron. Not counted in ClinVar's aggregate classification.

Dr. Peter K. Rogan Lab, Western University
No classification provided (evidence only). Condition: Familial cancer of breast. Review status: no classification provided. Collection method: in vitro. Allele origin: not applicable. Functional consequence: retained intron. Not counted in ClinVar's aggregate classification.

Dr. Peter K. Rogan Lab, Western University
No classification provided (evidence only). Condition: Hepatocellular carcinoma. Review status: no classification provided. Collection method: in vitro. Allele origin: not applicable. Functional consequence: retained intron. Not counted in ClinVar's aggregate classification.

Dr. Peter K. Rogan Lab, Western University
No classification provided (evidence only). Condition: Ovarian serous cystadenocarcinoma. Review status: no classification provided. Collection method: in vitro. Allele origin: not applicable. Functional consequence: retained intron. Not counted in ClinVar's aggregate classification.

Dr. Peter K. Rogan Lab, Western University
No classification provided (evidence only). Condition: Malignant tumor of esophagus. Review status: no classification provided. Collection method: in vitro. Allele origin: not applicable. Functional consequence: retained intron. Not counted in ClinVar's aggregate classification.

NM_182943.3(PLOD2):c.1126A>C (p.Met376Leu)

Gene: PLOD2 (procollagen-lysine,2-oxoglutarate 5-dioxygenase 2; minus strand). Cytogenetic location: 3q24.
Variant type: single nucleotide variant.
Coding change: c.1126A>C on transcript NM_182943.3 (MANE Select); coding-DNA position 1126, A replaced by C.
Protein change: p.Met376Leu; replaces methionine 376 with leucine.
Molecular consequence: missense variant.
Genome position (GRCh38, 1-based): chr3:146,086,788, T>G on the plus strand (A>C on the coding strand, the complement: PLOD2 is on the minus strand). VCF-style: chr3-146086788-T-G. GRCh37 (hg19) VCF-style: chr3-145804575-T-G.
Other names: c.1126A>C, p.Met376Leu (NM_000935.3); short protein forms M376L.
Identifiers: ClinVar variation 737604 (VCV000737604.13), dbSNP rs140613062, ClinGen allele CA2655022.